The following is an entry in ClinVar:

ClinVar aggregate classification (germline): Uncertain significance (1 of 4 stars; one submission).

Conditions:
Hyperaldosteronism, familial, type IV (HALD4). Also called: FH IV; ALDOSTERONISM, PRIMARY, AND HYPERTENSION. Identifiers: Orphanet 642671, MedGen C4310756, MONDO:0014875, OMIM 617027.
Idiopathic generalized epilepsy. Also called: EIG; Generalised epilepsy. Identifiers: MedGen C0270850, MONDO:0005579, OMIM 600669.

Allele frequency attached by ClinVar (database versions not stated): ExAC 0.00001.

Submission:

Labcorp Genetics (formerly Invitae), Labcorp
Classification: Uncertain significance for Idiopathic generalized epilepsy; Hyperaldosteronism, familial, type IV. Last evaluated: 2024-10-23. Review status: criteria provided, single submitter. Criteria: Invitae Variant Classification Sherloc (09022015). Collection method: clinical testing. Allele origin: germline.
Comment: This sequence change replaces tryptophan, which is neutral and slightly polar, with arginine, which is basic and polar, at codon 774 of the CACNA1H protein (p.Trp774Arg). The frequency data for this variant in the population databases is considered unreliable, as metrics indicate poor data quality at this position in the gnomAD database. This variant has not been reported in the literature in individuals affected with CACNA1H-related conditions. ClinVar contains an entry for this variant (Variation ID: 1985163). Invitae Evidence Modeling of protein sequence and biophysical properties (such as structural, functional, and spatial information, amino acid conservation, physicochemical variation, residue mobility, and thermodynamic stability) indicates that this missense variant is not expected to disrupt CACNA1H protein function with a negative predictive value of 80%. In summary, the available evidence is currently insufficient to determine the role of this variant in disease. Therefore, it has been classified as a Variant of Uncertain Significance.

NM_021098.3(CACNA1H):c.2320T>C (p.Trp774Arg)

Gene: CACNA1H (calcium voltage-gated channel subunit alpha1 H; plus strand). Cytogenetic location: 16p13.3.
Variant type: single nucleotide variant.
Coding change: c.2320T>C on transcript NM_021098.3 (MANE Select); coding-DNA position 2320, T replaced by C.
Protein change: p.Trp774Arg; replaces tryptophan 774 with arginine.
Molecular consequence: missense variant.
Genome position (GRCh38, 1-based): chr16:1,204,327, T>C. VCF-style: chr16-1204327-T-C. GRCh37 (hg19) VCF-style: chr16-1254327-T-C.
Other names: c.2320T>C, p.Trp774Arg (NM_001005407.2); short protein forms W774R.
Identifiers: ClinVar variation 1985163 (VCV001985163.4), dbSNP rs770772564, ClinGen allele CA7800200.